The following is an entry in ClinVar:

ClinVar aggregate classification (germline): Likely benign (1 of 4 stars; one submission).

Allele frequency attached by ClinVar (database versions not stated): 1000 Genomes Project 30x 0.00234; 1000 Genomes Project 0.00280; gnomAD 0.00342; TOPMed 0.00355; ESP Exome Variant Server 0.00362; gnomAD exomes 0.00439; ExAC 0.00601.

Submissions (6):

CeGaT Center for Human Genetics Tuebingen
Classification: Likely benign. Last evaluated: 2022-11-01. Review status: criteria provided, single submitter. Criteria: CeGaT Center For Human Genetics Tuebingen Variant Classification Criteria Version 2. Collection method: clinical testing. Allele origin: germline. Affected: yes. Observed: 2 variant alleles.
Comment: NLRC3: BP4, BP7

Dr. Peter K. Rogan Lab, Western University
No classification provided (evidence only). Condition: Malignant tumor of urinary bladder. Review status: no classification provided. Collection method: in vitro. Allele origin: not applicable. Functional consequence: retained intron. Not counted in ClinVar's aggregate classification.

Dr. Peter K. Rogan Lab, Western University
No classification provided (evidence only). Condition: Thyroid cancer, nonmedullary, 1. Review status: no classification provided. Collection method: in vitro. Allele origin: not applicable. Functional consequence: retained intron. Not counted in ClinVar's aggregate classification.

Dr. Peter K. Rogan Lab, Western University
No classification provided (evidence only). Condition: Thyroid cancer, nonmedullary, 1. Review status: no classification provided. Collection method: in vitro. Allele origin: not applicable. Functional consequence: retained intron. Not counted in ClinVar's aggregate classification.

Dr. Peter K. Rogan Lab, Western University
No classification provided (evidence only). Condition: Cervical cancer. Review status: no classification provided. Collection method: in vitro. Allele origin: not applicable. Functional consequence: retained intron. Not counted in ClinVar's aggregate classification.

Dr. Peter K. Rogan Lab, Western University
No classification provided (evidence only). Condition: Gastric cancer. Review status: no classification provided. Collection method: in vitro. Allele origin: not applicable. Functional consequence: retained intron. Not counted in ClinVar's aggregate classification.

NM_178844.4(NLRC3):c.1611C>T (p.Gly537=)

Gene: NLRC3 (NLR family CARD domain containing 3; minus strand). Cytogenetic location: 16p13.3.
Variant type: single nucleotide variant.
Coding change: c.1611C>T on transcript NM_178844.4 (MANE Select); coding-DNA position 1611, C replaced by T.
Protein change: p.Gly537=; no amino-acid change (glycine 537 retained).
Molecular consequence: synonymous variant. On other transcripts: non-coding transcript variant (1).
Genome position (GRCh38, 1-based): chr16:3,563,326, G>A on the plus strand (C>T on the coding strand, the complement: NLRC3 is on the minus strand). VCF-style: chr16-3563326-G-A. GRCh37 (hg19) VCF-style: chr16-3613327-G-A.
Other names: NC_000016.9:g.3613327G>A.
Identifiers: ClinVar variation 2646107 (VCV002646107.25), dbSNP rs146476058, ClinGen allele CA7864763.